The following is an entry in ClinVar:

NM_001130987.2(DYSF):c.3356T>A (p.Leu1119Gln)

Gene: DYSF (dysferlin; plus strand). Cytogenetic location: 2p13.2.
Variant type: single nucleotide variant.
Coding change: c.3356T>A on transcript NM_001130987.2 (MANE Select); coding-DNA position 3356, T replaced by A.
Protein change: p.Leu1119Gln; replaces leucine 1119 with glutamine.
Molecular consequence: missense variant.
Genome position (GRCh38, 1-based): chr2:71,574,325, T>A. VCF-style: chr2-71574325-T-A. GRCh37 (hg19) VCF-style: chr2-71801455-T-A.
Other names: c.3305T>A, p.Leu1102Gln (NM_001130455.2, NM_001130983.2); c.3260T>A, p.Leu1087Gln (NM_001130976.2, NM_001130977.2); c.3302T>A, p.Leu1101Gln (NM_001130978.2, NM_003494.4); c.3395T>A, p.Leu1132Gln (NM_001130979.2); c.3353T>A, p.Leu1118Gln (NM_001130980.2, NM_001130981.2); c.3398T>A, p.Leu1133Gln (NM_001130982.2); c.3263T>A, p.Leu1088Gln (NM_001130984.2, NM_001130986.2); c.3356T>A, p.Leu1119Gln (NM_001130985.2); and 1 more; short protein forms L1119Q, L1133Q, L1087Q, L1102Q, L1118Q, L1088Q, L1101Q, L1132Q.
Identifiers: ClinVar variation 1419951 (VCV001419951.7), dbSNP rs776495155, ClinGen allele CA1706531.

ClinVar aggregate classification (germline): Uncertain significance. Review status: criteria provided, multiple submitters, no conflicts (2 of 4 stars). 2 submissions from 2 submitters: Uncertain significance (2). Last evaluated 2025-08-29.

Conditions:
Neuromuscular disease caused by qualitative or quantitative defects of dysferlin. Also called: Dysferlinopathy; Qualitative or quantitative defects of dysferlin. Identifiers: Orphanet 207073, MedGen C2931687, MONDO:0016145.
Inborn genetic diseases. Identifiers: MedGen C0950123, MeSH D030342.

Allele frequency attached by ClinVar (database versions not stated): ExAC 0.00001; gnomAD exomes 0.00001; gnomAD 0.00002.

Submissions (2):

Ambry Genetics
Classification: Uncertain significance for Inborn genetic diseases. Last evaluated: 2025-08-29. Review status: criteria provided, single submitter. Criteria: Ambry Variant Classification Scheme 2023. Collection method: clinical testing. Allele origin: germline.

Labcorp Genetics (formerly Invitae), Labcorp
Classification: Uncertain significance for Neuromuscular disease caused by qualitative or quantitative defects of dysferlin. Last evaluated: 2021-09-01. Review status: criteria provided, single submitter. Criteria: Invitae Variant Classification Sherloc (09022015). Collection method: clinical testing. Allele origin: germline.
Comment: This sequence change replaces leucine with glutamine at codon 1101 of the DYSF protein (p.Leu1101Gln). The leucine residue is moderately conserved and there is a moderate physicochemical difference between leucine and glutamine. This variant is present in population databases (rs776495155, ExAC 0.002%). This variant has not been reported in the literature in individuals affected with DYSF-related conditions. Advanced modeling of protein sequence and biophysical properties (such as structural, functional, and spatial information, amino acid conservation, physicochemical variation, residue mobility, and thermodynamic stability) performed at Invitae indicates that this missense variant is not expected to disrupt DYSF protein function. In summary, the available evidence is currently insufficient to determine the role of this variant in disease. Therefore, it has been classified as a Variant of Uncertain Significance.